The following is an entry in ClinVar:

NM_198576.4(AGRN):c.3094A>G (p.Arg1032Gly)

Gene: AGRN (agrin; plus strand). Cytogenetic location: 1p36.33.
Variant type: single nucleotide variant.
Coding change: c.3094A>G on transcript NM_198576.4 (MANE Select); coding-DNA position 3094, A replaced by G.
Protein change: p.Arg1032Gly; replaces arginine 1032 with glycine.
Molecular consequence: missense variant.
Genome position (GRCh38, 1-based): chr1:1,046,579, A>G. VCF-style: chr1-1046579-A-G. GRCh37 (hg19) VCF-style: chr1-981959-A-G.
Other names: c.3094A>G, p.Arg1032Gly (NM_001305275.2); c.2779A>G, p.Arg927Gly (NM_001364727.2); short protein forms R1032G, R927G.
Identifiers: ClinVar variation 2608544 (VCV002608544.5), dbSNP rs1263531749, ClinGen allele CA337847005.

ClinVar aggregate classification (germline): Uncertain significance. Review status: criteria provided, multiple submitters, no conflicts (2 of 4 stars). 2 submissions from 2 submitters: Uncertain significance (2). Last evaluated 2024-05-15.

Conditions:
Congenital myasthenic syndrome 8. Also called: Myasthenic syndrome, congenital, 8, with pre- and postsynaptic defects; MYASTHENIC SYNDROME, CONGENITAL, DUE TO AGRIN DEFICIENCY. Identifiers: Orphanet 590, MedGen C3808739, MONDO:0014052, OMIM 615120.
Inborn genetic diseases. Identifiers: MedGen C0950123, MeSH D030342.

Submissions (2):

Labcorp Genetics (formerly Invitae), Labcorp
Classification: Uncertain significance for Congenital myasthenic syndrome 8. Last evaluated: 2024-05-15. Review status: criteria provided, single submitter. Criteria: Invitae Variant Classification Sherloc (09022015). Collection method: clinical testing. Allele origin: germline.
Comment: This sequence change replaces arginine, which is basic and polar, with glycine, which is neutral and non-polar, at codon 1032 of the AGRN protein (p.Arg1032Gly). This variant is not present in population databases (gnomAD no frequency). This variant has not been reported in the literature in individuals affected with AGRN-related conditions. ClinVar contains an entry for this variant (Variation ID: 2608544). An algorithm developed to predict the effect of missense changes on protein structure and function (PolyPhen-2) suggests that this variant is likely to be tolerated. In summary, the available evidence is currently insufficient to determine the role of this variant in disease. Therefore, it has been classified as a Variant of Uncertain Significance.

Ambry Genetics
Classification: Uncertain significance for Inborn genetic diseases. Last evaluated: 2023-06-29. Review status: criteria provided, single submitter. Criteria: Ambry Variant Classification Scheme 2023. Collection method: clinical testing. Allele origin: germline.